The following is an entry in ClinVar:

NM_001039591.3(USP9X):c.5069T>G (p.Phe1690Cys)

Gene: USP9X (ubiquitin specific peptidase 9 X-linked; plus strand). Cytogenetic location: Xp11.4.
Variant type: single nucleotide variant.
Coding change: c.5069T>G on transcript NM_001039591.3 (MANE Select); coding-DNA position 5069, T replaced by G.
Protein change: p.Phe1690Cys; replaces phenylalanine 1690 with cysteine.
Molecular consequence: missense variant.
Genome position (GRCh38, 1-based): chrX:41,210,562, T>G. VCF-style: chrX-41210562-T-G. GRCh37 (hg19) VCF-style: chrX-41069815-T-G.
Other names: c.5069T>G, p.Phe1690Cys (NM_001039590.3); c.5084T>G, p.Phe1695Cys (NM_001410748.1, NM_001410749.1); short protein forms F1690C, F1695C.
Identifiers: ClinVar variation 3359305 (VCV003359305.1).

ClinVar aggregate classification (germline): Uncertain significance (1 of 4 stars; one submission).

Submission:

GeneDx
Classification: Uncertain significance. Last evaluated: 2023-05-29. Review status: criteria provided, single submitter. Criteria: GeneDx Variant Classification Process June 2021. Collection method: clinical testing. Allele origin: germline. Affected: yes.
Comment: Not observed at significant frequency in large population cohorts (gnomAD); In silico analysis supports that this missense variant has a deleterious effect on protein structure/function; Has not been previously published as pathogenic or benign to our knowledge